The following is an entry in ClinVar:

NM_000515.5(GH1):c.414C>A (p.Asp138Glu)

Genes: GH-LCR (growth hormone locus control region; plus strand), GH1 (growth hormone 1; minus strand). Cytogenetic location: 17q23.3.
Variant type: single nucleotide variant.
Coding change: c.414C>A on transcript NM_000515.5 (MANE Select); coding-DNA position 414, C replaced by A.
Protein change: p.Asp138Glu; replaces aspartic acid 138 with glutamic acid.
Molecular consequence: missense variant.
Genome position (GRCh38, 1-based): chr17:63,917,802, G>T on the plus strand (C>A on the coding strand, the complement: GH1 is on the minus strand). VCF-style: chr17-63917802-G-T. GRCh37 (hg19) VCF-style: chr17-61995162-G-T.
Other names: c.369C>A, p.Asp123Glu (NM_022559.4); c.294C>A, p.Asp98Glu (NM_022560.4); short protein forms D123E, D138E, D98E.
Identifiers: ClinVar variation 1708807 (VCV001708807.2), dbSNP rs1907436311, ClinGen allele CA400611622.

ClinVar aggregate classification (germline): Uncertain significance (1 of 4 stars; one submission).

Allele frequency attached by ClinVar (database versions not stated): gnomAD exomes below 0.00001.

Submission:

GeneDx
Classification: Uncertain significance. Last evaluated: 2022-04-08. Review status: criteria provided, single submitter. Criteria: GeneDx Variant Classification Process June 2021. Collection method: clinical testing. Allele origin: germline. Affected: yes.
Comment: Not observed at significant frequency in large population cohorts (gnomAD); In silico analysis supports that this missense variant does not alter protein structure/function; Has not been previously published as pathogenic or benign to our knowledge